The following is an entry in ClinVar:

NM_018489.3(ASH1L):c.5346A>G (p.Leu1782=)

Gene: ASH1L (ASH1 like histone lysine methyltransferase; minus strand). Cytogenetic location: 1q22.
Variant type: single nucleotide variant.
Coding change: c.5346A>G on transcript NM_018489.3 (MANE Select); coding-DNA position 5346, A replaced by G.
Protein change: p.Leu1782=; no amino-acid change (leucine 1782 retained).
Molecular consequence: synonymous variant.
Genome position (GRCh38, 1-based): chr1:155,438,809, T>C on the plus strand (A>G on the coding strand, the complement: ASH1L is on the minus strand). VCF-style: chr1-155438809-T-C. GRCh37 (hg19) VCF-style: chr1-155408600-T-C.
Other names: c.5346A>G (NM_018489.2); c.5346A>G, p.Leu1782= (NM_001366177.2).
Identifiers: ClinVar variation 1711228 (VCV001711228.31), dbSNP rs145984528, ClinGen allele CA1146765.

ClinVar aggregate classification (germline): Benign. Review status: criteria provided, single submitter (1 of 4 stars). 2 submissions from 2 submitters: Benign (1). 1 of the submissions does not count toward it. Last evaluated 2026-07-01.

Conditions:
ASH1L-related disorder. Also called: ASH1L-related condition.

Allele frequency attached by ClinVar (database versions not stated): 1000 Genomes Project 0.00140; 1000 Genomes Project 30x 0.00156; ESP Exome Variant Server 0.00254; gnomAD 0.00333; ExAC 0.00397; gnomAD exomes 0.00425.
gnomAD v4.1: 6,636 of 1,614,186 alleles (0.41%); highest among the groups gnomAD compares: Non-Finnish European, 0.46%; 23 homozygotes.

Submissions (2):

CeGaT Center for Human Genetics Tuebingen
Classification: Benign. Last evaluated: 2026-07-01. Review status: criteria provided, single submitter. Criteria: CeGaT Center For Human Genetics Tuebingen Variant Classification Criteria Version 2. Collection method: clinical testing. Allele origin: germline. Affected: yes. Observed: 21 variant alleles.
Comment: ASH1L: BP4, BP7, BS1, BS2

PreventionGenetics, part of Exact Sciences
Classification: Benign for ASH1L-related condition. Last evaluated: 2021-03-23. Review status: no assertion criteria provided. Collection method: clinical testing. Allele origin: germline. Not counted in ClinVar's aggregate classification.
Comment: This variant is classified as benign based on ACMG/AMP sequence variant interpretation guidelines (Richards et al. 2015 PMID: 25741868, with internal and published modifications).